The following is an entry in ClinVar:

ClinVar aggregate classification (germline): Pathogenic/Likely pathogenic. Review status: criteria provided, multiple submitters, no conflicts (2 of 4 stars). 2 submissions from 2 submitters: Pathogenic (1); Likely pathogenic (1). Last evaluated 2024-02-25.

Conditions:
Oculocutaneous albinism type 3 (OCA3). Also called: ALBINISM III; Albinism, oculocutaneous, type III; RUFOUS OCULOCUTANEOUS ALBINISM; XANTHISM; Rufous OCA; Rufous albinism. Identifiers: Orphanet 79433, MedGen C0342683, MONDO:0008747, OMIM 203290.
MELANESIAN BLOND HAIR (SHEP11). Also called: Skin/hair/eye pigmentation, variation in, 11; SKIN/HAIR/EYE PIGMENTATION 11, BLUE/NONBLUE EYES. Identifiers: MedGen C2677086, OMIM 612271.

Submissions (2):

Fulgent Genetics
Classification: Likely pathogenic for Oculocutaneous albinism type 3; MELANESIAN BLOND HAIR. Last evaluated: 2024-02-25. Review status: criteria provided, single submitter. Criteria: ACMG Guidelines, 2015. Collection method: clinical testing. Allele origin: germline.

Labcorp Genetics (formerly Invitae), Labcorp
Classification: Pathogenic. Last evaluated: 2023-10-27. Review status: criteria provided, single submitter. Criteria: Invitae Variant Classification Sherloc (09022015). Collection method: clinical testing. Allele origin: germline.
Comment: This sequence change creates a premature translational stop signal (p.Trp190*) in the TYRP1 gene. It is expected to result in an absent or disrupted protein product. Loss-of-function variants in TYRP1 are known to be pathogenic (PMID: 8651291, 9345097). This variant is not present in population databases (gnomAD no frequency). This variant has not been reported in the literature in individuals affected with TYRP1-related conditions. For these reasons, this variant has been classified as Pathogenic.

Literature cited by the submitters: PubMed 8651291 (cited by Labcorp Genetics (formerly Invitae), Labcorp); PubMed 9345097 (cited by Labcorp Genetics (formerly Invitae), Labcorp).

NM_000550.3(TYRP1):c.570G>A (p.Trp190Ter)

Gene: TYRP1 (tyrosinase related protein 1; plus strand). Cytogenetic location: 9p23.
Variant type: single nucleotide variant.
Coding change: c.570G>A on transcript NM_000550.3 (MANE Select); coding-DNA position 570, G replaced by A.
Protein change: p.Trp190Ter; replaces tryptophan 190 with a stop codon.
Molecular consequence: nonsense.
Genome position (GRCh38, 1-based): chr9:12,695,699, G>A. VCF-style: chr9-12695699-G-A. GRCh37 (hg19) VCF-style: chr9-12695699-G-A.
Other names: short protein forms W190*.
Identifiers: ClinVar variation 2767322 (VCV002767322.4), dbSNP rs2537276482, ClinGen allele CA372937604.